The following is an entry in ClinVar:

NM_000383.4(AIRE):c.1306dup (p.Val436fs)

Gene: AIRE (autoimmune regulator; plus strand). Cytogenetic location: 21q22.3.
Variant type: Duplication.
Coding change: c.1306dup on transcript NM_000383.4 (MANE Select); coding-DNA position 1306, one base duplicated (G; older notation c.1306dupG).
Protein change: p.Val436fs; shifts the reading frame from valine 436.
Molecular consequence: frameshift variant.
Genome position (GRCh38, 1-based): chr21:44,293,816, G duplicated; the last of 4 consecutive G bases (chr21:44,293,813-44,293,816); duplicating any one gives the same sequence. VCF-style (leftmost placement, unchanged base first): chr21-44293812-C-CG. GRCh37 (hg19) VCF-style: chr21-45713695-C-CG.
Other names: c.1306dup (NM_000383.3); short protein forms V436fs.
Identifiers: ClinVar variation 3587695 (VCV003587695.2).

ClinVar aggregate classification (germline): Likely pathogenic. Review status: criteria provided, multiple submitters, no conflicts (2 of 4 stars). 2 submissions from 2 submitters: Likely pathogenic (2). Last evaluated 2025-07-22.

Conditions:
Polyglandular autoimmune syndrome, type 1 (APS1). Also called: Whitaker syndrome; Autoimmune polyendocrinopathy syndrome , type I, with or without reversible metaphyseal dysplasia; AUTOIMMUNE POLYENDOCRINE SYNDROME, TYPE I, WITH OR WITHOUT REVERSIBLE METAPHYSEAL DYSPLASIA; APS I; HYPOADRENOCORTICISM WITH HYPOPARATHYROIDISM AND SUPERFICIAL MONILIASIS; PGA I. Identifiers: Orphanet 3453, MedGen C0085859, MONDO:0009411, OMIM 240300.

Submissions (2):

Natera, Inc.
Classification: Likely pathogenic for Polyglandular autoimmune syndrome type 1. Last evaluated: 2025-07-22. Review status: criteria provided, single submitter. Criteria: Natera Variant Classification Schema (03/2026). Collection method: clinical testing. Allele origin: germline.
Comment: The c.1306dup variant in AIRE is a frameshift variant predicted to shift the reading frame beginning at codon 436 and leads to a stop codon 68 codons downstream. This variant is expected to result in nonsense mediated decay, truncation, or a dysfunctional protein product. This variant is rare in the general population with a frequency below the threshold expected for the associated phenotype(s). Given the available evidence, this variant is classified as Likely Pathogenic.

Fulgent Genetics
Classification: Likely pathogenic for Polyglandular autoimmune syndrome, type 1. Last evaluated: 2024-01-03. Review status: criteria provided, single submitter. Criteria: ACMG Guidelines, 2015. Collection method: clinical testing. Allele origin: germline.